The following is an entry in ClinVar:

NM_001754.5(RUNX1):c.359C>G (p.Ala120Gly)

Genes: RUNX1 (RUNX family transcription factor 1; minus strand), RUNX1-AS1 (RUNX1 antisense RNA 1; plus strand). Cytogenetic location: 21q22.12.
Variant type: single nucleotide variant.
Coding change: c.359C>G on transcript NM_001754.5 (MANE Select); coding-DNA position 359, C replaced by G.
Protein change: p.Ala120Gly; replaces alanine 120 with glycine.
Molecular consequence: missense variant.
Genome position (GRCh38, 1-based): chr21:34,880,706, G>C on the plus strand (C>G on the coding strand, the complement: RUNX1 is on the minus strand). VCF-style: chr21-34880706-G-C. GRCh37 (hg19) VCF-style: chr21-36253003-G-C.
Other names: c.278C>G, p.Ala93Gly (NM_001001890.3, NM_001122607.2); short protein forms A93G, A120G.
Identifiers: ClinVar variation 3948865 (VCV003948865.1).

ClinVar aggregate classification (germline): Uncertain significance (1 of 4 stars; one submission).

Conditions:
Inborn genetic diseases. Identifiers: MedGen C0950123, MeSH D030342.

Submission:

Ambry Genetics
Classification: Uncertain significance for Inborn genetic diseases. Last evaluated: 2025-04-18. Review status: criteria provided, single submitter. Criteria: Ambry Variant Classification Scheme 2023. Collection method: clinical testing. Allele origin: germline.
Comment: The p.A120G variant (also known as c.359C>G), located in coding exon 4 of the RUNX1 gene, results from a C to G substitution at nucleotide position 359. The alanine at codon 120 is replaced by glycine, an amino acid with similar properties. This amino acid position is conserved. In addition, this alteration is predicted to be deleterious by in silico analysis. Based on the available evidence, the clinical significance of this variant remains unclear.